The following is an entry in ClinVar:

NM_001110556.2(FLNA):c.1836G>A (p.Ser612=)

Gene: FLNA (filamin A; minus strand). Cytogenetic location: Xq28.
Variant type: single nucleotide variant.
Coding change: c.1836G>A on transcript NM_001110556.2 (MANE Select); coding-DNA position 1836, G replaced by A.
Protein change: p.Ser612=; no amino-acid change (serine 612 retained).
Molecular consequence: synonymous variant.
Genome position (GRCh38, 1-based): chrX:154,364,712, C>T on the plus strand (G>A on the coding strand, the complement: FLNA is on the minus strand). VCF-style: chrX-154364712-C-T. GRCh37 (hg19) VCF-style: chrX-153593080-C-T.
Other names: p.Ser612=; c.1836G>A, p.Ser612= (NM_001456.4).
Identifiers: ClinVar variation 1188479 (VCV001188479.13), dbSNP rs1461515007, ClinGen allele CA519709188.

ClinVar aggregate classification (germline): Conflicting classifications of pathogenicity. Review status: criteria provided, conflicting classifications (1 of 4 stars). 4 submissions from 4 submitters: Uncertain significance (2); Likely benign (2). Last evaluated 2025-08-18.

Conditions:
Heterotopia, periventricular, X-linked dominant (PVNH1). Also called: PERIVENTRICULAR NODULAR HETEROTOPIA 1; X-linked periventricular heterotopia; PERIVENTRICULAR NODULAR HETEROTOPIA 4; HETEROTOPIA, PERIVENTRICULAR, 1. Identifiers: Orphanet 2149, Orphanet 82004, MedGen C1848213, MONDO:0010233, OMIM 300049.
Melnick-Needles syndrome (MNS). Also called: MELNICK-NEEDLES OSTEODYSPLASTY; OSTEODYSPLASTY OF MELNICK AND NEEDLES; Melnick-Needles Syndrome (FLNA-MNS). Identifiers: Orphanet 2484, MedGen C0025237, MONDO:0010650, OMIM 309350.
Frontometaphyseal dysplasia (FMD1). Identifiers: Orphanet 1826, MedGen C0265293, MONDO:0015942.
Oto-palato-digital syndrome, type II (OPD2). Also called: FACIOPALATOOSSEOUS SYNDROME; OPD II SYNDROME; Otopalatodigital Syndrome Type 2 (FLNA-OPD2); Otopalatodigital Syndrome, Type II. Identifiers: Orphanet 669, Orphanet 90652, MedGen C1844696, MONDO:0010571, OMIM 304120.

Allele frequency attached by ClinVar (database versions not stated): gnomAD 0.00001; gnomAD exomes 0.00002 and 0.00003; TOPMed 0.00002.
gnomAD v4.1: 33 of 1,207,721 alleles (0.0027%); highest among the groups gnomAD compares: East Asian, 0.015%; no homozygotes.

Submissions (4):

Labcorp Genetics (formerly Invitae), Labcorp
Classification: Likely benign for Oto-palato-digital syndrome, type II; Heterotopia, periventricular, X-linked dominant; Frontometaphyseal dysplasia; Melnick-Needles syndrome. Last evaluated: 2025-08-18. Review status: criteria provided, single submitter. Criteria: Invitae Variant Classification Sherloc (09022015). Collection method: clinical testing. Allele origin: germline.

GeneDx
Classification: Uncertain significance. Last evaluated: 2025-08-09. Review status: criteria provided, single submitter. Criteria: GeneDx Variant Classification Process June 2021. Collection method: clinical testing. Allele origin: germline. Affected: yes.
Comment: Has not been previously published as pathogenic or benign to our knowledge; In silico analysis suggests this variant may impact gene splicing. In the absence of RNA/functional studies, the actual effect of this sequence change is unknown.

Mayo Clinic Laboratories, Mayo Clinic
Classification: Uncertain significance. Last evaluated: 2025-03-28. Review status: criteria provided, single submitter. Criteria: ACMG Guidelines, 2015. Collection method: clinical testing. Allele origin: germline. Observed: 1 variant allele.

ARUP Laboratories, Molecular Genetics and Genomics, ARUP Laboratories
Classification: Likely benign. Last evaluated: 2024-12-31. Review status: criteria provided, single submitter. Criteria: ARUP Molecular Germline Variant Investigation Process 2024. Collection method: clinical testing. Allele origin: germline.